The following is an entry in ClinVar:

NM_032108.4(SEMA6B):c.2141C>A (p.Pro714Gln)

Gene: SEMA6B (semaphorin 6B; minus strand). Cytogenetic location: 19p13.3.
Variant type: single nucleotide variant.
Coding change: c.2141C>A on transcript NM_032108.4 (MANE Select); coding-DNA position 2141, C replaced by A.
Protein change: p.Pro714Gln; replaces proline 714 with glutamine.
Molecular consequence: missense variant.
Genome position (GRCh38, 1-based): chr19:4,544,127, G>T on the plus strand (C>A on the coding strand, the complement: SEMA6B is on the minus strand). VCF-style: chr19-4544127-G-T. GRCh37 (hg19) VCF-style: chr19-4544139-G-T.
Other names: short protein forms P714Q.
Identifiers: ClinVar variation 2662273 (VCV002662273.1), dbSNP rs2512182598, ClinGen allele CA403461142.
Genomic context (GRCh38, chr19:4,544,127, plus strand): 5'-GCGCGGGGGCCCAGGGCGTGGGGGTGCGGGTGCGGAGTGGGCAGGCGCTTCTGCGGCAGC[G>T]GCGTCTGCTCGGGCGTGGGCAGCAGCCCCGAGTCCAGGTCGTGGGGCCCGCCCTGCAGCA-3'
Protein context (NP_115484.2, residues 704-724): SGLLPTPEQT[Pro714Gln]LPQKRLPTPH

ClinVar aggregate classification (germline): Uncertain significance (1 of 4 stars; one submission).

Submission:

GeneDx
Classification: Uncertain significance. Last evaluated: 2023-05-14. Review status: criteria provided, single submitter. Criteria: GeneDx Variant Classification Process June 2021. Collection method: clinical testing. Allele origin: germline. Affected: yes.
Comment: Not observed at significant frequency in large population cohorts (gnomAD); In silico analysis supports that this missense variant has a deleterious effect on protein structure/function; Has not been previously published as pathogenic or benign to our knowledge